The following is an entry in ClinVar:

ClinVar aggregate classification (germline): Conflicting classifications of pathogenicity. Review status: criteria provided, conflicting classifications (1 of 4 stars). 4 submissions from 4 submitters: Uncertain significance (3); Likely benign (1). Last evaluated 2024-07-16.

Conditions:
Developmental and epileptic encephalopathy 94 (DEE94). Also called: Epileptic encephalopathy, childhood-onset; CHD2-Related Neurodevelopmental Disorders. Identifiers: Orphanet 1942, Orphanet 2382, MedGen C3809278, MONDO:0014150, OMIM 615369.

Allele frequency attached by ClinVar (database versions not stated): ExAC 0.00001; gnomAD 0.00001; gnomAD exomes 0.00001; TOPMed 0.00001.
gnomAD v4.1: 17 of 1,614,034 alleles (0.0011%); highest among the groups gnomAD compares: Non-Finnish European, 0.0014%; no homozygotes.

Submissions (4):

Blueprint Genetics
Classification: Likely benign. Last evaluated: 2024-07-16. Review status: criteria provided, single submitter. Criteria: ACMG Guidelines, 2015. Collection method: clinical testing. Allele origin: germline.

Labcorp Genetics (formerly Invitae), Labcorp
Classification: Uncertain significance for Developmental and epileptic encephalopathy 94. Last evaluated: 2023-05-23. Review status: criteria provided, single submitter. Criteria: Invitae Variant Classification Sherloc (09022015). Collection method: clinical testing. Allele origin: germline.
Comment: In summary, the available evidence is currently insufficient to determine the role of this variant in disease. Therefore, it has been classified as a Variant of Uncertain Significance. Advanced modeling of protein sequence and biophysical properties (such as structural, functional, and spatial information, amino acid conservation, physicochemical variation, residue mobility, and thermodynamic stability) performed at Invitae indicates that this missense variant is not expected to disrupt CHD2 protein function. ClinVar contains an entry for this variant (Variation ID: 421442). This variant has not been reported in the literature in individuals affected with CHD2-related conditions. This variant is present in population databases (rs759269259, gnomAD 0.003%). This sequence change replaces serine, which is neutral and polar, with glycine, which is neutral and non-polar, at codon 1180 of the CHD2 protein (p.Ser1180Gly).

Pittsburgh Clinical Genomics Laboratory, University of Pittsburgh Medical Center
Classification: Uncertain significance for Developmental and epileptic encephalopathy 94. Last evaluated: 2022-05-27. Review status: criteria provided, single submitter. Criteria: ACMG Guidelines, 2015. Collection method: clinical testing. Allele origin: germline. Inheritance: Autosomal dominant inheritance. Affected: yes.
Comment: This sequence variant is a single nucleotide substitution (A>G) at position 3538 of the coding sequence of the CHD2 gene that results in a serine to glycine amino acid change at residue 1180 of the CHD2 protein. This is a previously reported variant (ClinVar) that has not been observed in individuals with CHD2-related disorders in the published literature, to our knowledge. This variant is present in control population datasets (gnomAD database, 3 of 251036 alleles, 0.001%). Multiple bioinformatic tools give conflicting predictions concerning the impact of this serine to glycine amino acid change, though the Ser1180 residue is strongly conserved across the vertebrate species examined. Studies examining the functiol consequence of this variant have not been published, to our knowledge. At this time, there is insufficient evidence to determine if this variant is pathogenic or benign. Therefore, we consider this a variant of uncertain significance. ACMG Criteria: BP1, PM2

GeneDx
Classification: Uncertain significance. Last evaluated: 2016-06-23. Review status: criteria provided, single submitter. Criteria: GeneDx Variant Classification (06012015). Collection method: clinical testing. Allele origin: germline. Affected: yes.
Comment: A variant of uncertain significance has been identified in the CHD2 gene. The S1180G variant has not been published as a pathogenic variant, nor has it been reported as a benign variant to our knowledge. It was not observed in approximately 6,500 individuals of European and African American ancestry in the NHLBI Exome Sequencing Project, indicating it is not a common benign variant in these populations. The S1180G variant is a non-conservative amino acid substitution, which is likely to impact secondary protein structure as these residues differ in polarity, charge, size and/or other properties. This substitution occurs at a position that is conserved across species. However, in silico analysis is inconsistent in its predictions as to whether or not the variant is damaging to the protein structure/function. Therefore, based on the currently available information, it is unclear whether this variant is a pathogenic variant or a rare benign variant.

NM_001271.4(CHD2):c.3538A>G (p.Ser1180Gly)

Gene: CHD2 (chromodomain helicase DNA binding protein 2; plus strand). Cytogenetic location: 15q26.1.
Variant type: single nucleotide variant.
Coding change: c.3538A>G on transcript NM_001271.4 (MANE Select); coding-DNA position 3538, A replaced by G.
Protein change: p.Ser1180Gly; replaces serine 1180 with glycine.
Molecular consequence: missense variant.
Genome position (GRCh38, 1-based): chr15:92,992,941, A>G. VCF-style: chr15-92992941-A-G. GRCh37 (hg19) VCF-style: chr15-93536171-A-G.
Other names: short protein forms S1180G.
Identifiers: ClinVar variation 421442 (VCV000421442.10), dbSNP rs759269259, ClinGen allele CA7748244.
Genomic context (GRCh38, chr15:92,992,941, plus strand): 5'-GCTGAGCTGGTAGATAAGTCGGTGGCAGATCTGAAGCGCCTGGGTGAACTGATCCACAAC[A>G]GCTGTGTGTCAGCAATGCAGGAATACGAAGAGCAGCTGAAAGAAAATGCCAGCGAGGGTA-3'
Protein context (NP_001262.3, residues 1170-1190): LKRLGELIHN[Ser1180Gly]CVSAMQEYEE